The following is an entry in ClinVar:

NM_203446.3(SYNJ1):c.1777G>A (p.Val593Ile)

Gene: SYNJ1 (synaptojanin 1; minus strand). Cytogenetic location: 21q22.11.
Variant type: single nucleotide variant.
Coding change: c.1777G>A on transcript NM_203446.3 (MANE Select); coding-DNA position 1777, G replaced by A.
Protein change: p.Val593Ile; replaces valine 593 with isoleucine.
Molecular consequence: missense variant.
Genome position (GRCh38, 1-based): chr21:32,670,322, C>T on the plus strand (G>A on the coding strand, the complement: SYNJ1 is on the minus strand). VCF-style: chr21-32670322-C-T. GRCh37 (hg19) VCF-style: chr21-34042632-C-T.
Other names: c.1777G>A, p.Val593Ile (NM_001160302.2); c.1762G>A, p.Val588Ile (NM_001160306.2); c.1894G>A, p.Val632Ile (NM_003895.4); short protein forms V588I, V632I, V593I.
Identifiers: ClinVar variation 2004052 (VCV002004052.4), dbSNP rs1278070975, ClinGen allele CA410083601.

ClinVar aggregate classification (germline): Uncertain significance (1 of 4 stars; one submission).

Conditions:
Developmental and epileptic encephalopathy, 53. Also called: Epileptic encephalopathy, early infantile, 53. Identifiers: MedGen C4479313, MONDO:0033362, OMIM 617389.
Early-onset Parkinson disease 20. Also called: PARKINSON DISEASE 20, AUTOSOMAL RECESSIVE EARLY-ONSET. Identifiers: Orphanet 391411, MedGen C3809824, MONDO:0014233, OMIM 615530.

Allele frequency attached by ClinVar (database versions not stated): gnomAD exomes below 0.00001; TOPMed below 0.00001; gnomAD 0.00001.
gnomAD v4.1: 2 of 1,613,528 alleles (0.00012%); highest among the groups gnomAD compares: Non-Finnish European, 0.00017%; no homozygotes.

Submission:

Labcorp Genetics (formerly Invitae), Labcorp
Classification: Uncertain significance for Developmental and epileptic encephalopathy, 53; Early-onset Parkinson disease 20. Last evaluated: 2024-12-02. Review status: criteria provided, single submitter. Criteria: Invitae Variant Classification Sherloc (09022015). Collection method: clinical testing. Allele origin: germline.
Comment: This sequence change replaces valine, which is neutral and non-polar, with isoleucine, which is neutral and non-polar, at codon 632 of the SYNJ1 protein (p.Val632Ile). This variant is not present in population databases (gnomAD no frequency). This variant has not been reported in the literature in individuals affected with SYNJ1-related conditions. ClinVar contains an entry for this variant (Variation ID: 2004052). Invitae Evidence Modeling of protein sequence and biophysical properties (such as structural, functional, and spatial information, amino acid conservation, physicochemical variation, residue mobility, and thermodynamic stability) has been performed for this missense variant. However, the output from this modeling did not meet the statistical confidence thresholds required to predict the impact of this variant on SYNJ1 protein function. In summary, the available evidence is currently insufficient to determine the role of this variant in disease. Therefore, it has been classified as a Variant of Uncertain Significance.